The following is an entry in ClinVar:

NM_001818.5(AKR1C4):c.846+5G>C

Gene: AKR1C4 (aldo-keto reductase family 1 member C4; plus strand). Cytogenetic location: 10p15.1.
Variant type: single nucleotide variant.
Coding change: c.846+5G>C on transcript NM_001818.5 (MANE Select); 5 bases into the intron after coding-DNA position 846, G replaced by C.
Molecular consequence: intron variant.
Genome position (GRCh38, 1-based): chr10:5,213,164, G>C. VCF-style: chr10-5213164-G-C. GRCh37 (hg19) VCF-style: chr10-5255127-G-C.
Other names: c.846+5G>C (NM_001818.3).
Identifiers: ClinVar variation 2918145 (VCV002918145.4), dbSNP rs376186919, ClinGen allele CA5391609.

ClinVar aggregate classification (germline): Uncertain significance. Review status: criteria provided, multiple submitters, no conflicts (2 of 4 stars). 2 submissions from 2 submitters: Uncertain significance (2). Last evaluated 2025-11-07.

Conditions:
AKR1C4-related disorder. Also called: AKR1C4-related condition.

Allele frequency attached by ClinVar (database versions not stated): ExAC 0.00001; gnomAD 0.00004; ESP Exome Variant Server 0.00008; TOPMed 0.00015.
gnomAD v4.1: 16 of 1,612,724 alleles (0.00099%); highest among the groups gnomAD compares: Admixed American, 0.018%; no homozygotes.

Submissions (2):

PreventionGenetics, part of Exact Sciences
Classification: Uncertain significance for AKR1C4-related condition. Last evaluated: 2025-11-07. Review status: criteria provided, single submitter. Criteria: ACMG Guidelines, 2015. Collection method: clinical testing. Allele origin: germline.
Comment: The AKR1C4 c.846+5G>C variant is predicted to interfere with splicing. This variant is predicted to alter splicing based on available splicing prediction programs (SpliceAI, Jaganathan et al. 2019. PubMed ID: 30661751). To our knowledge, this variant has not been reported in the literature. This variant is reported in 0.0% of alleles in individuals of African descent in gnomAD. At this time, the clinical significance of this variant is uncertain due to the absence of conclusive functional and genetic evidence.

Labcorp Genetics (formerly Invitae), Labcorp
Classification: Uncertain significance. Last evaluated: 2025-11-04. Review status: criteria provided, single submitter. Criteria: Invitae Variant Classification Sherloc (09022015). Collection method: clinical testing. Allele origin: germline.
Comment: This sequence change falls in intron 7 of the AKR1C4 gene. It does not directly change the encoded amino acid sequence of the AKR1C4 protein. It affects a nucleotide within the consensus splice site. This variant is present in population databases (rs376186919, gnomAD no frequency). This variant has not been reported in the literature in individuals affected with AKR1C4-related conditions. ClinVar contains an entry for this variant (Variation ID: 2918145). Variants that disrupt the consensus splice site are a relatively common cause of aberrant splicing (PMID: 17576681, 9536098). Algorithms developed to predict the effect of sequence changes on RNA splicing suggest that this variant is not likely to affect RNA splicing. In summary, the available evidence is currently insufficient to determine the role of this variant in disease. Therefore, it has been classified as a Variant of Uncertain Significance.

Literature cited by the submitters: PubMed 17576681 (cited by Labcorp Genetics (formerly Invitae), Labcorp); PubMed 9536098 (cited by Labcorp Genetics (formerly Invitae), Labcorp).